The following is an entry in ClinVar:

NM_000330.4(RS1):c.433G>T (p.Asp145Tyr)

Genes: CDKL5 (cyclin dependent kinase like 5; plus strand), RS1 (retinoschisin 1; minus strand). Cytogenetic location: Xp22.13.
Variant type: single nucleotide variant.
Coding change: c.433G>T on transcript NM_000330.4 (MANE Select); coding-DNA position 433, G replaced by T.
Protein change: p.Asp145Tyr; replaces aspartic acid 145 with tyrosine.
Molecular consequence: missense variant. On other transcripts: intron variant (2).
Genome position (GRCh38, 1-based): chrX:18,644,519, C>A on the plus strand (G>T on the coding strand, the complement: RS1 is on the minus strand). VCF-style: chrX-18644519-C-A. GRCh37 (hg19) VCF-style: chrX-18662639-C-A.
Other names: NM_003159.3:c.2714-1488C>A; c.2714-1488C>A (NM_003159.3, NM_001037343.2); short protein forms D145Y.
Identifiers: ClinVar variation 4976898 (VCV004976898.1).

ClinVar aggregate classification (germline): Uncertain significance (3 of 4 stars; one submission).

Conditions:
Juvenile retinoschisis (RS1). Also called: X-Linked Juvenile Retinoschisis; X-linked retinoschisis. Identifiers: Orphanet 792, MedGen C3714753, MONDO:0010725, OMIM 312700.

Submission:

ClinGen X-linked Inherited Retinal Disease Variant Curation Expert Panel, ClinGen
Classification: Uncertain significance for Juvenile retinoschisis. Last evaluated: 2026-09-26. Review status: reviewed by expert panel. Criteria: ClinGen X LinkedIRD ACMG Specifications RS1 V1.0.0. Collection method: curation. Allele origin: germline. Inheritance: X-linked inheritance.
Comment: The NM_000330.4(RS1):c.433G>T (p.Asp145Tyr) variant is a missense variant encoding the substitution of Aspartic acid and Tyrosine at amino acid 145. This variant is absent from hemizygous individuals in gnomAD v4.1.0 (PM2_Supporting). The computational predictor REVEL gives a score of 0.873, which is within the ClinGen X-linked IRD VCEP range between 0.931 and 0.773 and predicts a damaging effect on RS1 function (PP3_moderate). The computational splicing predictor SpliceAI gives a delta score of 0.05 for acceptor loss, which is below the ClinGen X-linked IRD VCEP threshold of >0.2 and does not predict that the variant disrupts RS1 splicing. Another missense variant in the same codon, NM_000330.4(RS1):c.433G>C (p.Asp145His), (PMIDs: 7615541, 18369700, 32300273, 34624300, 30040949) has been classified as likely pathogenic for X-linked retinoschisis by the ClinGen X-linked IRD VCEP, while no benign missense variants have been identified in this codon. The present variant has a higher Grantham’s distance (160) than the comparison variant (81), and SpliceAI has been used to confirm that neither variant has a predicted impact on RS1 splicing (PM5_Supporting). At least one proband harboring this variant exhibits the following phenotypes, including the appearance of schisis and reduced visual acuity before age 13 years, which together are specific for X-linked retinoschisis (PMID: 39293640, PP4). In summary, this variant is classified as a variant of uncertain significance for X-linked retinoschisis based on the ClinGen X-linked Inherited Retinal Disease Expert Panel Specifications to the ACMG/AMP Variant Interpretation Guidelines for RS1 Version 1.0.0: PM2_Supporting, PP3_Moderate, PM5_Supporting, and PP4.